The following is an entry in ClinVar:

ClinVar aggregate classification (germline): Uncertain significance (1 of 4 stars; one submission).

Conditions:
Early Myoclonic Encephalopathy. Identifiers: MedGen C0270855.

gnomAD v4.1: 1 of 1,613,508 alleles (0.000062%); highest among the groups gnomAD compares: Non-Finnish European, 0.000085%; no homozygotes.

Submission:

Labcorp Genetics (formerly Invitae), Labcorp
Classification: Uncertain significance for Early Myoclonic Encephalopathy. Last evaluated: 2022-02-02. Review status: criteria provided, single submitter. Criteria: Invitae Variant Classification Sherloc (09022015). Collection method: clinical testing. Allele origin: germline.
Comment: In summary, the available evidence is currently insufficient to determine the role of this variant in disease. Therefore, it has been classified as a Variant of Uncertain Significance. Algorithms developed to predict the effect of missense changes on protein structure and function are either unavailable or do not agree on the potential impact of this missense change (SIFT: "Deleterious"; PolyPhen-2: "Probably Damaging"; Align-GVGD: "Class C0"). This variant has not been reported in the literature in individuals affected with JMJD1C-related conditions. This variant is not present in population databases (gnomAD no frequency). This sequence change replaces glycine, which is neutral and non-polar, with aspartic acid, which is acidic and polar, at codon 1693 of the JMJD1C protein (p.Gly1693Asp).

NM_032776.3(JMJD1C):c.5078G>A (p.Gly1693Asp)

Gene: JMJD1C (jumonji domain containing 1C; minus strand). Cytogenetic location: 10q21.3.
Variant type: single nucleotide variant.
Coding change: c.5078G>A on transcript NM_032776.3 (MANE Select); coding-DNA position 5078, G replaced by A.
Protein change: p.Gly1693Asp; replaces glycine 1693 with aspartic acid.
Molecular consequence: missense variant.
Genome position (GRCh38, 1-based): chr10:63,200,674, C>T on the plus strand (G>A on the coding strand, the complement: JMJD1C is on the minus strand). VCF-style: chr10-63200674-C-T. GRCh37 (hg19) VCF-style: chr10-64960434-C-T.
Other names: c.4532G>A, p.Gly1511Asp (NM_001282948.2, NM_001318154.2); c.4214G>A, p.Gly1405Asp (NM_001318153.2); c.4964G>A, p.Gly1655Asp (NM_001322252.2); c.4421G>A, p.Gly1474Asp (NM_001322254.2, NM_001322258.2); short protein forms G1405D, G1474D, G1511D, G1655D, G1693D.
Identifiers: ClinVar variation 2102171 (VCV002102171.4), dbSNP rs751766607, ClinGen allele CA377033559.